The following is an entry in ClinVar:

ClinVar aggregate classification (germline): Uncertain significance. Review status: criteria provided, multiple submitters, no conflicts (2 of 4 stars). 2 submissions from 2 submitters: Uncertain significance (2). Last evaluated 2025-05-23.

Conditions:
Familial cold autoinflammatory syndrome 2 (FCAS2). Identifiers: Orphanet 247868, MedGen C2673198, MONDO:0012724, OMIM 611762.
Inborn genetic diseases. Identifiers: MedGen C0950123, MeSH D030342.

Allele frequency attached by ClinVar (database versions not stated): gnomAD exomes below 0.00001; gnomAD 0.00001.

Submissions (2):

Labcorp Genetics (formerly Invitae), Labcorp
Classification: Uncertain significance for Familial cold autoinflammatory syndrome 2. Last evaluated: 2025-05-23. Review status: criteria provided, single submitter. Criteria: Invitae Variant Classification Sherloc (09022015). Collection method: clinical testing. Allele origin: germline.
Comment: This sequence change replaces leucine, which is neutral and non-polar, with phenylalanine, which is neutral and non-polar, at codon 1018 of the NLRP12 protein (p.Leu1018Phe). This variant is not present in population databases (gnomAD no frequency). This variant has not been reported in the literature in individuals affected with NLRP12-related conditions. ClinVar contains an entry for this variant (Variation ID: 1401818). Experimental studies and prediction algorithms are not available or were not evaluated, and the functional significance of this variant is currently unknown. In summary, the available evidence is currently insufficient to determine the role of this variant in disease. Therefore, it has been classified as a Variant of Uncertain Significance.

Ambry Genetics
Classification: Uncertain significance for Inborn genetic diseases. Last evaluated: 2024-11-09. Review status: criteria provided, single submitter. Criteria: Ambry Variant Classification Scheme 2023. Collection method: clinical testing. Allele origin: germline.

NM_144687.4(NLRP12):c.3052C>T (p.Leu1018Phe)

Gene: NLRP12 (NLR family pyrin domain containing 12; minus strand). Cytogenetic location: 19q13.42.
Variant type: single nucleotide variant.
Coding change: c.3052C>T on transcript NM_144687.4 (MANE Select); coding-DNA position 3052, C replaced by T.
Protein change: p.Leu1018Phe; replaces leucine 1018 with phenylalanine.
Molecular consequence: missense variant.
Genome position (GRCh38, 1-based): chr19:53,795,905, G>A on the plus strand (C>T on the coding strand, the complement: NLRP12 is on the minus strand). VCF-style: chr19-53795905-G-A. GRCh37 (hg19) VCF-style: chr19-54299159-G-A.
Other names: c.3055C>T, p.Leu1019Phe (NM_001277126.2); c.2881C>T, p.Leu961Phe (NM_001277129.1); c.3052C>T (NM_144687.2); short protein forms L1019F, L961F, L1018F.
Identifiers: ClinVar variation 1401818 (VCV001401818.9), dbSNP rs2091748199, ClinGen allele CA407407430.